The following is an entry in ClinVar:

ClinVar aggregate classification (germline): Benign (1 of 4 stars; one submission).

Conditions:
Gamma-aminobutyric acid transaminase deficiency (GABATD). Also called: GABA transaminase deficiency; Gamma aminobutyrate transaminase deficiency; 4 alpha aminobutyrate transaminase deficiency; GABA aminotransaminase deficiency. Identifiers: Orphanet 2066, MedGen C0342708, MONDO:0013166, OMIM 613163.

Allele frequency attached by ClinVar (database versions not stated): gnomAD exomes 0.00062 and 0.00166; ExAC 0.00204; 1000 Genomes Project 0.00559; 1000 Genomes Project 30x 0.00625; gnomAD 0.00673 and 0.00712; TOPMed 0.00731; ESP Exome Variant Server 0.00808.

Submission:

Illumina Laboratory Services, Illumina
Classification: Benign for Gamma-aminobutyric acid transaminase deficiency. Last evaluated: 2018-01-12. Review status: criteria provided, single submitter. Criteria: ICSL Variant Classification Criteria 13 December 2019. Collection method: clinical testing. Allele origin: germline.
Comment: This variant was observed in the ICSL laboratory as part of a predisposition screen in an ostensibly healthy population. It had not been previously curated by ICSL or reported in the Human Gene Mutation Database (HGMD: prior to June 1st, 2018), and was therefore a candidate for classification through an automated scoring system. Utilizing variant allele frequency, disease prevalence and penetrance estimates, and inheritance mode, an automated score was calculated to assess if this variant is too frequent to cause the disease. Based on the score and internal cut-off values, a variant classified as benign is not then subjected to further curation. The score for this variant resulted in a classification of benign for this disease.

NM_020686.6(ABAT):c.*31C>T

Gene: ABAT (4-aminobutyrate aminotransferase; plus strand). Cytogenetic location: 16p13.2.
Variant type: single nucleotide variant.
Coding change: c.*31C>T on transcript NM_020686.6 (MANE Select); 31 bases downstream of the stop codon, C replaced by T.
Molecular consequence: 3 prime UTR variant.
Genome position (GRCh38, 1-based): chr16:8,781,461, C>T. VCF-style: chr16-8781461-C-T. GRCh37 (hg19) VCF-style: chr16-8875318-C-T.
Other names: c.*31C>T (NM_000663.5, NM_001127448.2, NM_001386600.1 and 14 more transcripts); c.*45C>T (NM_001386609.1, NM_001386616.1).
Identifiers: ClinVar variation 887493 (VCV000887493.4), dbSNP rs147333757, ClinGen allele CA7893588.
Genomic context (GRCh38, chr16:8,781,461, plus strand): 5'-TTCAGTGACATCTTAGCAGACTTCAAGTAAAGAAGCCATTTCCACTACAGTGAGAAAGCC[C>T]GGATCCCAACAGTTGTCAAATTGATTAGTTTGCCTAATTCATGTTTTCACTTAAAAGTAT-3'